The following is an entry in ClinVar:

NM_014633.5(CTR9):c.1712T>C (p.Ile571Thr)

Gene: CTR9 (CTR9 component of Paf1/RNA polymerase II complex; plus strand). Cytogenetic location: 11p15.4.
Variant type: single nucleotide variant.
Coding change: c.1712T>C on transcript NM_014633.5 (MANE Select); coding-DNA position 1712, T replaced by C.
Protein change: p.Ile571Thr; replaces isoleucine 571 with threonine.
Molecular consequence: missense variant.
Genome position (GRCh38, 1-based): chr11:10,767,831, T>C. VCF-style: chr11-10767831-T-C. GRCh37 (hg19) VCF-style: chr11-10789378-T-C.
Other names: c.1712T>C, p.Ile571Thr (NM_001346279.2); short protein forms I571T.
Identifiers: ClinVar variation 4074456 (VCV004074456.1).

ClinVar aggregate classification (germline): Uncertain significance (1 of 4 stars; one submission).

Submission:

GeneDx
Classification: Uncertain significance. Last evaluated: 2025-02-04. Review status: criteria provided, single submitter. Criteria: GeneDx Variant Classification Process June 2021. Collection method: clinical testing. Allele origin: germline. Affected: yes.
Comment: Not observed at significant frequency in large population cohorts (gnomAD); In silico analysis supports that this missense variant has a deleterious effect on protein structure/function; Has not been previously published as pathogenic or benign to our knowledge